The following is an entry in ClinVar:

ClinVar aggregate classification (germline): Uncertain significance (1 of 4 stars; one submission).

Allele frequency attached by ClinVar (database versions not stated): gnomAD exomes 0.00001 and 0.00002; ExAC 0.00003.

Submission:

Labcorp Genetics (formerly Invitae), Labcorp
Classification: Uncertain significance. Last evaluated: 2023-05-20. Review status: criteria provided, single submitter. Criteria: Invitae Variant Classification Sherloc (09022015). Collection method: clinical testing. Allele origin: germline.
Comment: In summary, the available evidence is currently insufficient to determine the role of this variant in disease. Therefore, it has been classified as a Variant of Uncertain Significance. Advanced modeling of protein sequence and biophysical properties (such as structural, functional, and spatial information, amino acid conservation, physicochemical variation, residue mobility, and thermodynamic stability) performed at Invitae indicates that this missense variant is not expected to disrupt WNT5A protein function. ClinVar contains an entry for this variant (Variation ID: 1011272). This variant has not been reported in the literature in individuals affected with WNT5A-related conditions. This variant is present in population databases (rs773308486, gnomAD 0.02%). This sequence change replaces alanine, which is neutral and non-polar, with glycine, which is neutral and non-polar, at codon 214 of the WNT5A protein (p.Ala214Gly).

NM_003392.7(WNT5A):c.641C>G (p.Ala214Gly)

Gene: WNT5A (Wnt family member 5A; minus strand). Cytogenetic location: 3p14.3.
Variant type: single nucleotide variant.
Coding change: c.641C>G on transcript NM_003392.7 (MANE Select); coding-DNA position 641, C replaced by G.
Protein change: p.Ala214Gly; replaces alanine 214 with glycine.
Molecular consequence: missense variant.
Genome position (GRCh38, 1-based): chr3:55,474,380, G>C on the plus strand (C>G on the coding strand, the complement: WNT5A is on the minus strand). VCF-style: chr3-55474380-G-C. GRCh37 (hg19) VCF-style: chr3-55508408-G-C.
Other names: c.596C>G, p.Ala199Gly (NM_001256105.1, NM_001377271.1, NM_001377272.1); short protein forms A199G, A214G.
Identifiers: ClinVar variation 1011272 (VCV001011272.5), dbSNP rs773308486, ClinGen allele CA2459012.
Genomic context (GRCh38, chr3:55,474,380, plus strand): 5'-CGAGACGCGGCACTCACCCTGCGGCCGGCCTCGTTGTTGTGCAGGTTCATGAGGATGCGA[G>C]CACTCTCGTAGGAGCCCTTGGCGTGGATGCGCTCCCGCTCGCGGGCGTCCACGAACTCCT-3'
Protein context (NP_003383.4, residues 204-224): RIHAKGSYES[Ala214Gly]RILMNLHNNE